The following is an entry in ClinVar:

ClinVar aggregate classification (germline): Uncertain significance. Review status: criteria provided, multiple submitters, no conflicts (2 of 4 stars). 2 submissions from 2 submitters: Uncertain significance (2). Last evaluated 2025-07-25.

Conditions:
Emery-Dreifuss muscular dystrophy 4, autosomal dominant (EDMD4). Also called: EMERY-DREIFUSS MUSCULAR DYSTROPHY 4 WITH VARIABLE FEATURES. Identifiers: Orphanet 261, MedGen C2751807, MONDO:0013071, OMIM 612998.
Autosomal recessive ataxia, Beauce type. Also called: SYNE1 Deficiency; Spinocerebellar ataxia, autosomal recessive 8; ATAXIA, RECESSIVE, OF BEAUCE; SYNE1-Related Autosomal Recessive Cerebellar Ataxia. Identifiers: Orphanet 88644, MedGen C1853116, MONDO:0012549, OMIM 610743.

Submissions (2):

Labcorp Genetics (formerly Invitae), Labcorp
Classification: Uncertain significance for Emery-Dreifuss muscular dystrophy 4, autosomal dominant; Autosomal recessive ataxia, Beauce type. Last evaluated: 2025-07-25. Review status: criteria provided, single submitter. Criteria: Invitae Variant Classification Sherloc (09022015). Collection method: clinical testing. Allele origin: germline.
Comment: This sequence change replaces isoleucine, which is neutral and non-polar, with threonine, which is neutral and polar, at codon 8430 of the SYNE1 protein (p.Ile8430Thr). This variant is not present in population databases (gnomAD no frequency). This variant has not been reported in the literature in individuals affected with SYNE1-related conditions. ClinVar contains an entry for this variant (Variation ID: 3902386). An algorithm developed to predict the effect of missense changes on protein structure and function (PolyPhen-2) suggests that this variant is likely to be disruptive. In summary, the available evidence is currently insufficient to determine the role of this variant in disease. Therefore, it has been classified as a Variant of Uncertain Significance.

Women's Health and Genetics/Laboratory Corporation of America, LabCorp
Classification: Uncertain significance. Last evaluated: 2025-05-08. Review status: criteria provided, single submitter. Criteria: LabCorp Variant Classification Summary - May 2015. Collection method: clinical testing. Allele origin: germline.
Comment: Variant summary: SYNE1 c.25289T>C (p.Ile8430Thr) results in a non-conservative amino acid change in the encoded protein sequence. Algorithms developed to predict the effect of missense changes on protein structure and function are either unavailable or do not agree on the potential impact of this missense change. The variant was absent in 251402 control chromosomes. The available data on variant occurrences in the general population are insufficient to allow any conclusion about variant significance. To our knowledge, no occurrence of c.25289T>C in individuals affected with Autosomal recessive ataxia, Beauce type and no experimental evidence demonstrating its impact on protein function have been reported. No submitters have cited clinical-significance assessments for this variant to ClinVar. Based on the evidence outlined above, the variant was classified as uncertain significance.

NM_182961.4(SYNE1):c.25433T>C (p.Ile8478Thr)

Gene: SYNE1 (spectrin repeat containing nuclear envelope protein 1; minus strand). Cytogenetic location: 6q25.2.
Variant type: single nucleotide variant.
Coding change: c.25433T>C on transcript NM_182961.4 (MANE Select); coding-DNA position 25433, T replaced by C.
Protein change: p.Ile8478Thr; replaces isoleucine 8478 with threonine.
Molecular consequence: missense variant.
Genome position (GRCh38, 1-based): chr6:152,139,975, A>G on the plus strand (T>C on the coding strand, the complement: SYNE1 is on the minus strand). VCF-style: chr6-152139975-A-G. GRCh37 (hg19) VCF-style: chr6-152461110-A-G.
Other names: c.2039T>C, p.Ile680Thr (NM_001347701.2); c.1967T>C, p.Ile656Thr (NM_001347702.2); c.25289T>C, p.Ile8430Thr (NM_033071.5); short protein forms I656T, I680T, I8430T, I8478T.
Identifiers: ClinVar variation 3902386 (VCV003902386.2).